The following is an entry in ClinVar:

NM_001356.5(DDX3X):c.281dup (p.Arg95fs)

Gene: DDX3X (DEAD-box helicase 3 X-linked; plus strand). Cytogenetic location: Xp11.4.
Variant type: Duplication.
Coding change: c.281dup on transcript NM_001356.5 (MANE Select); coding-DNA position 281, one base duplicated (G; older notation c.281dupG).
Protein change: p.Arg95fs; shifts the reading frame from arginine 95.
Molecular consequence: frameshift variant. On other transcripts: 5 prime UTR variant (1), non-coding transcript variant (1).
Genome position (GRCh38, 1-based): chrX:41,341,613, G duplicated; the last of 4 consecutive G bases (chrX:41,341,610-41,341,613); duplicating any one gives the same sequence. VCF-style (leftmost placement, unchanged base first): chrX-41341609-A-AG. GRCh37 (hg19) VCF-style: chrX-41200862-A-AG.
Other names: c.281dup, p.Arg95fs (NM_001193416.3); c.233dup, p.Arg79fs (NM_001193417.3); c.-278dup (NM_001363819.1); short protein forms R79fs, R95fs.
Identifiers: ClinVar variation 5016756 (VCV005016756.1).
Genomic context (GRCh38, chrX:41,341,609, plus strand): 5'-GGATCTCGTAGTGATTCAAGAGGGAAGTCTAGCTTCTTCAGTGATCGTGGAAGTGGATCA[A>AG]GGGGAAGGTAAGTGATTTCTTAATCACCTTACGTGTATGTATAATAACAGTTTAATAAGT-3'

ClinVar aggregate classification (germline): Pathogenic (1 of 4 stars; one submission).

Submission:

GeneDx
Classification: Pathogenic. Last evaluated: 2026-03-31. Review status: criteria provided, single submitter. Criteria: GeneDx Variant Classification Process June 2021. Collection method: clinical testing. Allele origin: germline.
Comment: Previously reported as a de novo variant in at least one individual from a cohort of patients with rare diseases that underwent whole genome sequencing in published literature (PMID: 33726816); Frameshift variant predicted to result in protein truncation or nonsense mediated decay in a gene for which loss of function is a known mechanism of disease; Not observed at significant frequency in large population cohorts (gnomAD); This variant is associated with the following publications: (PMID: 33726816)